The following is an entry in ClinVar:

ClinVar aggregate classification (germline): Likely pathogenic (1 of 4 stars; one submission).

Conditions:
Hereditary cancer-predisposing syndrome. Also called: Neoplastic Syndromes, Hereditary; Tumor predisposition; Hereditary Cancer Syndrome; Hereditary neoplastic syndrome. Identifiers: Orphanet 140162, MedGen C0027672, MeSH D009386, MONDO:0015356.

Submission:

Ambry Genetics
Classification: Likely pathogenic for Hereditary cancer-predisposing syndrome. Last evaluated: 2025-06-10. Review status: criteria provided, single submitter. Criteria: Ambry Variant Classification Scheme 2023. Collection method: clinical testing. Allele origin: germline.
Comment: The c.8418+1G>T intronic variant results from a G to T substitution one nucleotide after coding exon 56 of the ATM gene. This nucleotide position is highly conserved in available vertebrate species. In silico splice site analysis predicts that this alteration will weaken the native splice donor site; however, direct evidence is insufficient at this time (Ambry internal data). Another variant impacting the same donor site c.8418+5_8418+8delGTGA has been identified in individuals with features consistent with ataxia telangiectasia (Wright J et al. Am. J. Hum. Genet. 1996 Oct;59(4):839-46; Stankovic T et al. Am. J. Hum. Genet. 1998 Feb;62(2):334-45; Li A and Swift M. Am. J. Med. Genet. 2000 May;92(3):170-7; Buzin CH et al. Hum. Mutat. 2003 Feb;21(2):123-31). Alterations that disrupt the canonical splice site are expected to cause aberrant splicing, resulting in an abnormal protein or a transcript that is subject to nonsense-mediated mRNA decay. As such, this alteration is classified as likely pathogenic.

NM_000051.4(ATM):c.8418+1G>T

Genes: ATM (ATM serine/threonine kinase; plus strand), C11orf65 (chromosome 11 open reading frame 65; minus strand). Cytogenetic location: 11q22.3.
Variant type: single nucleotide variant.
Coding change: c.8418+1G>T on transcript NM_000051.4 (MANE Select); the canonical splice donor site of the intron after coding-DNA position 8418, G replaced by T.
Molecular consequence: splice donor variant. On other transcripts: intron variant (2).
Genome position (GRCh38, 1-based): chr11:108,343,372, G>T. VCF-style: chr11-108343372-G-T. GRCh37 (hg19) VCF-style: chr11-108214099-G-T.
Other names: c.8418+1G>T (NM_001351834.2); c.641-34301C>A (NM_001330368.2); c.695-8080C>A (NM_001351110.2).
Identifiers: ClinVar variation 3967312 (VCV003967312.1).
Genomic context (GRCh38, chr11:108,343,372, plus strand): 5'-GCTCATAAAAGATACAGGCCAAATGATTTCAGTGCCTTTCAGTGCCAAAAGAAAATGATG[G>T]TGAGTGACACCCAAAATTAAAGGTTATTGTAAGATTATTTAATGGCTTATTAAAGCTGAC-3'